The following is an entry in ClinVar:

ClinVar aggregate classification (germline): Uncertain significance (1 of 4 stars; one submission).

Conditions:
Neuropathy, hereditary sensory and autonomic, type 2A (HSAN2A). Also called: HSAN IIA; ACROOSTEOLYSIS, GIACCAI TYPE; ACROOSTEOLYSIS, NEUROGENIC; NEUROPATHY, HEREDITARY SENSORY, TYPE IIA; NEUROPATHY, PROGRESSIVE SENSORY, OF CHILDREN; WNK1-Related HSAN2 (HSAN2A). Identifiers: Orphanet 970, MedGen C2752089, MONDO:0024309, OMIM 201300.
Generalized epilepsy with febrile seizures plus, type 7 (GEFSP7). Also called: GEFS+, TYPE 7. Identifiers: Orphanet 36387, MedGen C2751778, MONDO:0013470, OMIM 613863.

gnomAD v4.1: 1 of 1,609,380 alleles (0.000062%); highest among the groups gnomAD compares: Non-Finnish European, 0.000085%; no homozygotes.

Submission:

Labcorp Genetics (formerly Invitae), Labcorp
Classification: Uncertain significance for Neuropathy, hereditary sensory and autonomic, type 2A; Generalized epilepsy with febrile seizures plus, type 7. Last evaluated: 2022-09-27. Review status: criteria provided, single submitter. Criteria: Invitae Variant Classification Sherloc (09022015). Collection method: clinical testing. Allele origin: germline.
Comment: In summary, the available evidence is currently insufficient to determine the role of this variant in disease. Therefore, it has been classified as a Variant of Uncertain Significance. Algorithms developed to predict the effect of missense changes on protein structure and function (SIFT, PolyPhen-2, Align-GVGD) all suggest that this variant is likely to be tolerated. ClinVar contains an entry for this variant (Variation ID: 863396). This variant has not been reported in the literature in individuals affected with SCN9A-related conditions. This variant is not present in population databases (gnomAD no frequency). This sequence change replaces arginine, which is basic and polar, with threonine, which is neutral and polar, at codon 528 of the SCN9A protein (p.Arg528Thr).

NM_001365536.1(SCN9A):c.1583G>C (p.Arg528Thr)

Genes: SCN9A (sodium voltage-gated channel alpha subunit 9; minus strand), SCN1A-AS1 (SCN1A and SCN9A antisense RNA 1; plus strand). Cytogenetic location: 2q24.3.
Variant type: single nucleotide variant.
Coding change: c.1583G>C on transcript NM_001365536.1 (MANE Select); coding-DNA position 1583, G replaced by C.
Protein change: p.Arg528Thr; replaces arginine 528 with threonine.
Molecular consequence: missense variant.
Genome position (GRCh38, 1-based): chr2:166,286,355, C>G on the plus strand (G>C on the coding strand, the complement: SCN9A is on the minus strand). VCF-style: chr2-166286355-C-G. GRCh37 (hg19) VCF-style: chr2-167142865-C-G.
Other names: c.1583G>C, p.Arg528Thr (NM_002977.4); short protein forms R528T.
Identifiers: ClinVar variation 863396 (VCV000863396.8), dbSNP rs1403714469, ClinGen allele CA349084237.